The following is an entry in ClinVar:

NM_000548.5(TSC2):c.2154C>G (p.Arg718=)

Gene: TSC2 (TSC complex subunit 2; plus strand). Cytogenetic location: 16p13.3.
Variant type: single nucleotide variant.
Coding change: c.2154C>G on transcript NM_000548.5 (MANE Select); coding-DNA position 2154, C replaced by G.
Protein change: p.Arg718=; no amino-acid change (arginine 718 retained).
Molecular consequence: synonymous variant.
Genome position (GRCh38, 1-based): chr16:2,072,297, C>G. VCF-style: chr16-2072297-C-G. GRCh37 (hg19) VCF-style: chr16-2122298-C-G.
Other names: c.2154C>G (NM_000548.3); c.2154C>G, p.Arg718= (NM_001077183.3, NM_001114382.3, NM_001363528.2 and 3 more transcripts); c.2043C>G, p.Arg681= (NM_001318827.2); c.2007C>G, p.Arg669= (NM_001318829.2); c.1554C>G, p.Arg518= (NM_001318831.2); c.2187C>G, p.Arg729= (NM_001318832.2).
Identifiers: ClinVar variation 1493911 (VCV001493911.7), dbSNP rs878854081, ClinGen allele CA493042685.

ClinVar aggregate classification (germline): Conflicting classifications of pathogenicity. Review status: criteria provided, conflicting classifications (1 of 4 stars). 2 submissions from 2 submitters: Uncertain significance (1); Likely benign (1). Last evaluated 2025-09-12.

Conditions:
Hereditary cancer-predisposing syndrome. Also called: Neoplastic Syndromes, Hereditary; Tumor predisposition; Hereditary neoplastic syndrome; Hereditary Cancer Syndrome. Identifiers: Orphanet 140162, MedGen C0027672, MeSH D009386, MONDO:0015356.
Tuberous sclerosis 2 (TSC2). Identifiers: Orphanet 805, MedGen C1860707, MONDO:0013199, OMIM 613254.

gnomAD v4.1: 2 of 1,614,166 alleles (0.00012%); highest among the groups gnomAD compares: East Asian, 0.0022%; no homozygotes.

Submissions (2):

Ambry Genetics
Classification: Uncertain significance for Hereditary cancer-predisposing syndrome. Last evaluated: 2025-09-12. Review status: criteria provided, single submitter. Criteria: Ambry Variant Classification Scheme 2023. Collection method: clinical testing. Allele origin: germline.
Comment: The c.2154C>G variant (also known as p.R718R), located in coding exon 19 of the TSC2 gene, results from a C to G substitution at nucleotide position 2154. This nucleotide substitution does not change the amino acid at codon 718. This nucleotide position is not well conserved in available vertebrate species. In silico splice site analysis predicts that this alteration may result in the creation or strengthening of a novel splice donor site. Based on the available evidence, the clinical significance of this variant remains unclear.

Labcorp Genetics (formerly Invitae), Labcorp
Classification: Likely benign for Tuberous sclerosis 2. Last evaluated: 2025-06-02. Review status: criteria provided, single submitter. Criteria: Invitae Variant Classification Sherloc (09022015). Collection method: clinical testing. Allele origin: germline.